The following is an entry in ClinVar:

NM_002485.5(NBN):c.994+1G>T

Gene: NBN (nibrin; minus strand). Cytogenetic location: 8q21.3.
Variant type: single nucleotide variant.
Coding change: c.994+1G>T on transcript NM_002485.5 (MANE Select); the canonical splice donor site of the intron after coding-DNA position 994, G replaced by T.
Molecular consequence: splice donor variant.
Genome position (GRCh38, 1-based): chr8:89,964,409, C>A on the plus strand (G>T on the coding strand, the complement: NBN is on the minus strand). VCF-style: chr8-89964409-C-A. GRCh37 (hg19) VCF-style: chr8-90976637-C-A.
Other names: c.748+1G>T (NM_001024688.3).
Identifiers: ClinVar variation 461594 (VCV000461594.21), dbSNP rs1554562083, ClinGen allele CA371656834.

ClinVar aggregate classification (germline): Likely pathogenic. Review status: criteria provided, multiple submitters, no conflicts (2 of 4 stars). 6 submissions from 6 submitters: Likely pathogenic (6). Last evaluated 2025-08-22.

Conditions:
Hereditary cancer-predisposing syndrome. Also called: Hereditary neoplastic syndrome; Neoplastic Syndromes, Hereditary; Tumor predisposition; Hereditary Cancer Syndrome. Identifiers: Orphanet 140162, MedGen C0027672, MeSH D009386, MONDO:0015356.
Aplastic anemia. Identifiers: Orphanet 182040, Orphanet 88, MedGen C0002874, MONDO:0015909, OMIM 609135, HP:0001915.
Microcephaly, normal intelligence and immunodeficiency (NBS). Also called: IMMUNODEFICIENCY, MICROCEPHALY, AND CHROMOSOMAL INSTABILITY; SEEMANOVA SYNDROME II; Nijmegen breakage syndrome; Microcephaly with normal intelligence immunodeficiency and lymphoreticular malignancies; Nonsyndromal microcephaly autosomal recessive with normal intelligence; Seemanova syndrome 2. Identifiers: Orphanet 647, MedGen C0398791, MONDO:0009623, OMIM 251260.

Allele frequency attached by ClinVar (database versions not stated): gnomAD exomes below 0.00001.
gnomAD v4.1: 1 of 1,613,684 alleles (0.000062%); highest among the groups gnomAD compares: Non-Finnish European, 0.000085%; no homozygotes.

Submissions (6):

Natera, Inc.
Classification: Likely pathogenic for Nijmegen breakage syndrome. Last evaluated: 2025-08-22. Review status: criteria provided, single submitter. Criteria: Natera Variant Classification Schema (03/2026). Collection method: clinical testing. Allele origin: germline.
Comment: The c.994+1G>T variant in NBN is a canonical splice donor site variant predicted to affect pre-mRNA splicing, which may result in an abnormal transcript and altered protein product. This variant is expected to result in nonsense mediated decay, truncation, or a dysfunctional protein product. This variant is rare in the general population with a frequency below the threshold expected for the associated phenotype(s). Given the available evidence, this variant is classified as Likely Pathogenic.

Labcorp Genetics (formerly Invitae), Labcorp
Classification: Likely pathogenic for Microcephaly, normal intelligence and immunodeficiency. Last evaluated: 2024-04-16. Review status: criteria provided, single submitter. Criteria: Invitae Variant Classification Sherloc (09022015). Collection method: clinical testing. Allele origin: germline.
Comment: This sequence change affects a donor splice site in intron 8 of the NBN gene. It is expected to disrupt RNA splicing. Variants that disrupt the donor or acceptor splice site typically lead to a loss of protein function (PMID: 16199547), and loss-of-function variants in NBN are known to be pathogenic (PMID: 9590180, 16415040). This variant is not present in population databases (gnomAD no frequency). This variant has not been reported in the literature in individuals affected with NBN-related conditions. ClinVar contains an entry for this variant (Variation ID: 461594). Algorithms developed to predict the effect of sequence changes on RNA splicing suggest that this variant may disrupt the consensus splice site. In summary, the currently available evidence indicates that the variant is pathogenic, but additional data are needed to prove that conclusively. Therefore, this variant has been classified as Likely Pathogenic.

Baylor Genetics
Classification: Likely pathogenic for Aplastic anemia. Last evaluated: 2023-11-14. Review status: criteria provided, single submitter. Criteria: ACMG Guidelines, 2015. Collection method: clinical testing. Allele origin: unknown.

GeneDx
Classification: Likely pathogenic. Last evaluated: 2023-09-15. Review status: criteria provided, single submitter. Criteria: GeneDx Variant Classification Process June 2021. Collection method: clinical testing. Allele origin: germline. Affected: yes.
Comment: Canonical splice site variant predicted to result in a null allele in a gene for which loss of function is a known mechanism of disease; Not observed at significant frequency in large population cohorts (gnomAD); Has not been previously published as pathogenic or benign to our knowledge; This variant is associated with the following publications: (PMID: 16199547, 16415040, 9590180)

Ambry Genetics
Classification: Likely pathogenic for Hereditary cancer-predisposing syndrome. Last evaluated: 2020-03-25. Review status: criteria provided, single submitter. Criteria: Ambry Variant Classification Scheme 2023. Collection method: clinical testing. Allele origin: germline.
Comment: The c.994+1G>T intronic variant results from a G to T substitution one nucleotide after coding exon 8 of the NBN gene. This nucleotide position is highly conserved in available vertebrate species. Using the BDGP and ESEfinder splice site prediction tools, this alteration is predicted to abolish the native splice donor site; however, direct evidence is unavailable. Alterations that disrupt the canonical splice site are expected to cause aberrant splicing, resulting in an abnormal protein or a transcript that is subject to nonsense-mediated mRNA decay. As such, this alteration is classified as likely pathogenic.

Department of Molecular Diagnostics, Institute of Oncology Ljubljana
Classification: Likely pathogenic for Hereditary cancer-predisposing syndrome. Last evaluated: 2018-10-24. Review status: criteria provided, single submitter. Criteria: ACMG Guidelines, 2015. Collection method: clinical testing. Allele origin: germline. Affected: yes.

Literature cited by the submitters: PubMed 16199547 (cited by Labcorp Genetics (formerly Invitae), Labcorp); PubMed 9590180 (cited by Labcorp Genetics (formerly Invitae), Labcorp); PubMed 16415040 (cited by Labcorp Genetics (formerly Invitae), Labcorp).